The following is an entry in ClinVar:

NM_002334.4(LRP4):c.*1627A>G

Genes: LRP4 (LDL receptor related protein 4; minus strand), LRP4-AS1 (LRP4 antisense RNA 1; plus strand). Cytogenetic location: 11p11.2.
Variant type: single nucleotide variant.
Coding change: c.*1627A>G on transcript NM_002334.4 (MANE Select); 1627 bases downstream of the stop codon, A replaced by G.
Molecular consequence: 3 prime UTR variant.
Genome position (GRCh38, 1-based): chr11:46,857,356, T>C on the plus strand (A>G on the coding strand, the complement: LRP4 is on the minus strand). VCF-style: chr11-46857356-T-C. GRCh37 (hg19) VCF-style: chr11-46878907-T-C.
Identifiers: ClinVar variation 879414 (VCV000879414.4), dbSNP rs544836196, ClinGen allele CA221658290.

ClinVar aggregate classification (germline): Benign (1 of 4 stars; one submission).

Conditions:
Cenani-Lenz syndactyly syndrome. Also called: CENANI SYNDACTYLISM; SYNDACTYLY, TYPE VII. Identifiers: Orphanet 3258, MedGen C1859309, MONDO:0008931, OMIM 212780.

Allele frequency attached by ClinVar (database versions not stated): 1000 Genomes Project 30x 0.00016; 1000 Genomes Project 0.00020; TOPMed 0.00143; gnomAD 0.00148 and 0.00160.

Submission:

Illumina Laboratory Services, Illumina
Classification: Benign for Cenani-Lenz syndactyly syndrome. Last evaluated: 2017-04-27. Review status: criteria provided, single submitter. Criteria: ICSL Variant Classification Criteria 13 December 2019. Collection method: clinical testing. Allele origin: germline.
Comment: This variant was observed as part of a predisposition screen in an ostensibly healthy population. A literature search was performed for the gene, cDNA change, and amino acid change (where applicable). No publications were found based on this search. Allele frequency data from public databases was too high to be consistent with this variant causing disease. Therefore, this variant is classified as benign.